The following is an entry in ClinVar:

NM_002225.5(IVD):c.623A>G (p.Tyr208Cys)

Gene: IVD (isovaleryl-CoA dehydrogenase; plus strand). Cytogenetic location: 15q15.1.
Variant type: single nucleotide variant.
Coding change: c.623A>G on transcript NM_002225.5 (MANE Select); coding-DNA position 623, A replaced by G.
Protein change: p.Tyr208Cys; replaces tyrosine 208 with cysteine.
Molecular consequence: missense variant. On other transcripts: non-coding transcript variant (1).
Genome position (GRCh38, 1-based): chr15:40,411,627, A>G. VCF-style: chr15-40411627-A-G. GRCh37 (hg19) VCF-style: chr15-40703826-A-G.
Other names: c.533A>G, p.Tyr178Cys (NM_001159508.3); c.575A>G, p.Tyr192Cys (NM_001354597.3); c.623A>G, p.Tyr208Cys (NM_001354598.3, NM_001354601.3); c.710A>G, p.Tyr237Cys (NM_001354599.3, NM_001354600.3); short protein forms Y178C, Y192C, Y208C, Y237C.
Identifiers: ClinVar variation 2183435 (VCV002183435.3), dbSNP rs758778071, ClinGen allele CA7480698.

ClinVar aggregate classification (germline): Uncertain significance (1 of 4 stars; one submission).

Conditions:
Isovaleryl-CoA dehydrogenase deficiency (IVA). Also called: IVD DEFICIENCY; Classic Isovaleric Acidemia; ISOVALERIC ACID CoA DEHYDROGENASE DEFICIENCY; Isovaleric acidemia. Identifiers: Orphanet 33, MedGen C0268575, MONDO:0009475, OMIM 243500.

Allele frequency attached by ClinVar (database versions not stated): gnomAD exomes below 0.00001; ExAC 0.00001.

Submission:

Labcorp Genetics (formerly Invitae), Labcorp
Classification: Uncertain significance for Isovaleryl-CoA dehydrogenase deficiency. Last evaluated: 2024-08-28. Review status: criteria provided, single submitter. Criteria: Invitae Variant Classification Sherloc (09022015). Collection method: clinical testing. Allele origin: germline.
Comment: This sequence change replaces tyrosine, which is neutral and polar, with cysteine, which is neutral and slightly polar, at codon 211 of the IVD protein (p.Tyr211Cys). This variant is present in population databases (rs758778071, gnomAD 0.003%). This variant has not been reported in the literature in individuals affected with IVD-related conditions. ClinVar contains an entry for this variant (Variation ID: 2183435). An algorithm developed to predict the effect of missense changes on protein structure and function (PolyPhen-2) suggests that this variant is likely to be disruptive. In summary, the available evidence is currently insufficient to determine the role of this variant in disease. Therefore, it has been classified as a Variant of Uncertain Significance.